The following is an entry in ClinVar:

NM_206933.4(USH2A):c.8645G>C (p.Gly2882Ala)

Gene: USH2A (usherin; minus strand). Cytogenetic location: 1q41.
Variant type: single nucleotide variant.
Coding change: c.8645G>C on transcript NM_206933.4 (MANE Select); coding-DNA position 8645, G replaced by C.
Protein change: p.Gly2882Ala; replaces glycine 2882 with alanine.
Molecular consequence: missense variant.
Genome position (GRCh38, 1-based): chr1:215,877,794, C>G on the plus strand (G>C on the coding strand, the complement: USH2A is on the minus strand). VCF-style: chr1-215877794-C-G. GRCh37 (hg19) VCF-style: chr1-216051136-C-G.
Other names: short protein forms G2882A.
Identifiers: ClinVar variation 947877 (VCV000947877.7), dbSNP rs527467361, ClinGen allele CA1394552.

ClinVar aggregate classification (germline): Uncertain significance. Review status: criteria provided, multiple submitters, no conflicts (2 of 4 stars). 4 submissions from 4 submitters: Uncertain significance (3). 1 of the submissions does not count toward it. Last evaluated 2025-09-15.

Conditions:
Usher syndrome type 2A. Also called: USHER SYNDROME, TYPE IIA; RETINAL DISEASE IN USHER SYNDROME TYPE IIA, MODIFIER OF. Identifiers: Orphanet 231178, Orphanet 886, MedGen C1848634, MONDO:0010169, OMIM 276901.
Inborn genetic diseases. Identifiers: MedGen C0950123, MeSH D030342.

Allele frequency attached by ClinVar (database versions not stated): gnomAD 0.00001; gnomAD exomes 0.00001 and 0.00002; ExAC 0.00002; 1000 Genomes Project 30x 0.00016; 1000 Genomes Project 0.00020.
gnomAD v4.1: 22 of 1,613,736 alleles (0.0014%); highest among the groups gnomAD compares: South Asian, 0.024%; 1 homozygote.

Submissions (4):

Labcorp Genetics (formerly Invitae), Labcorp
Classification: Uncertain significance. Last evaluated: 2025-09-15. Review status: criteria provided, single submitter. Criteria: Invitae Variant Classification Sherloc (09022015). Collection method: clinical testing. Allele origin: germline.
Comment: This sequence change replaces glycine, which is neutral and non-polar, with alanine, which is neutral and non-polar, at codon 2882 of the USH2A protein (p.Gly2882Ala). This variant is present in population databases (rs527467361, gnomAD 0.02%), including at least one homozygous and/or hemizygous individual. This variant has not been reported in the literature in individuals affected with USH2A-related conditions. ClinVar contains an entry for this variant (Variation ID: 947877). Invitae Evidence Modeling of protein sequence and biophysical properties (such as structural, functional, and spatial information, amino acid conservation, physicochemical variation, residue mobility, and thermodynamic stability) has been performed for this missense variant. However, the output from this modeling did not meet the statistical confidence thresholds required to predict the impact of this variant on USH2A protein function. In summary, the available evidence is currently insufficient to determine the role of this variant in disease. Therefore, it has been classified as a Variant of Uncertain Significance.

Ambry Genetics
Classification: Uncertain significance for Inborn genetic diseases. Last evaluated: 2025-04-01. Review status: criteria provided, single submitter. Criteria: Ambry Variant Classification Scheme 2023. Collection method: clinical testing. Allele origin: germline.

GeneDx
Classification: Uncertain significance. Last evaluated: 2024-01-25. Review status: criteria provided, single submitter. Criteria: GeneDx Variant Classification Process June 2021. Collection method: clinical testing. Allele origin: germline. Affected: yes.
Comment: In silico analysis supports that this missense variant has a deleterious effect on protein structure/function; Has not been previously published as pathogenic or benign to our knowledge

Natera, Inc.
Classification: Uncertain significance for Usher syndrome type 2A. Last evaluated: 2020-06-29. Review status: no assertion criteria provided. Collection method: clinical testing. Allele origin: germline. Not counted in ClinVar's aggregate classification.